The following is an entry in ClinVar:

ClinVar aggregate classification (germline): Uncertain significance (1 of 4 stars; one submission).

Conditions:
Developmental and epileptic encephalopathy. Identifiers: MedGen C5779964, MONDO:0100620.

Allele frequency attached by ClinVar (database versions not stated): gnomAD exomes below 0.00001 and 0.00001; ExAC 0.00001.
gnomAD v4.1: 9 of 1,613,132 alleles (0.00056%); highest among the groups gnomAD compares: South Asian, 0.0011%; no homozygotes.

Submission:

Labcorp Genetics (formerly Invitae), Labcorp
Classification: Uncertain significance for Early-infantile DEE. Last evaluated: 2022-07-19. Review status: criteria provided, single submitter. Criteria: Invitae Variant Classification Sherloc (09022015). Collection method: clinical testing. Allele origin: germline.
Comment: This sequence change replaces arginine, which is basic and polar, with glutamine, which is neutral and polar, at codon 623 of the CACNA2D2 protein (p.Arg623Gln). This variant is present in population databases (rs747103135, gnomAD 0.0009%). This variant has not been reported in the literature in individuals affected with CACNA2D2-related conditions. ClinVar contains an entry for this variant (Variation ID: 1416763). Algorithms developed to predict the effect of missense changes on protein structure and function are either unavailable or do not agree on the potential impact of this missense change (SIFT: "Deleterious"; PolyPhen-2: "Probably Damaging"; Align-GVGD: "Class C0"). In summary, the available evidence is currently insufficient to determine the role of this variant in disease. Therefore, it has been classified as a Variant of Uncertain Significance.

NM_006030.4(CACNA2D2):c.1868G>A (p.Arg623Gln)

Gene: CACNA2D2 (calcium voltage-gated channel auxiliary subunit alpha2delta 2; minus strand). Cytogenetic location: 3p21.31.
Variant type: single nucleotide variant.
Coding change: c.1868G>A on transcript NM_006030.4 (MANE Select); coding-DNA position 1868, G replaced by A.
Protein change: p.Arg623Gln; replaces arginine 623 with glutamine.
Molecular consequence: missense variant.
Genome position (GRCh38, 1-based): chr3:50,375,683, C>T on the plus strand (G>A on the coding strand, the complement: CACNA2D2 is on the minus strand). VCF-style: chr3-50375683-C-T. GRCh37 (hg19) VCF-style: chr3-50413114-C-T.
Other names: c.1868G>A, p.Arg623Gln (NM_001005505.3, NM_001174051.3); c.1661G>A, p.Arg554Gln (NM_001291101.1); short protein forms R554Q, R623Q.
Identifiers: ClinVar variation 1416763 (VCV001416763.4), dbSNP rs747103135, ClinGen allele CA2418692.